The following is an entry in ClinVar:

ClinVar aggregate classification (germline): Uncertain significance (1 of 4 stars; one submission).

Conditions:
Werner syndrome (WRN). Identifiers: Orphanet 902, MedGen C0043119, MONDO:0010196, OMIM 277700.

Submission:

Labcorp Genetics (formerly Invitae), Labcorp
Classification: Uncertain significance for Werner syndrome. Last evaluated: 2023-11-08. Review status: criteria provided, single submitter. Criteria: Invitae Variant Classification Sherloc (09022015). Collection method: clinical testing. Allele origin: germline.
Comment: This sequence change replaces leucine, which is neutral and non-polar, with proline, which is neutral and non-polar, at codon 787 of the WRN protein (p.Leu787Pro). The frequency data for this variant in the population databases is considered unreliable, as metrics indicate poor data quality at this position in the gnomAD database. This variant has not been reported in the literature in individuals affected with WRN-related conditions. ClinVar contains an entry for this variant (Variation ID: 654365). An algorithm developed to predict the effect of missense changes on protein structure and function (PolyPhen-2) suggests that this variant is likely to be disruptive. In summary, the available evidence is currently insufficient to determine the role of this variant in disease. Therefore, it has been classified as a Variant of Uncertain Significance.

NM_000553.6(WRN):c.2360_2361delinsCT (p.Leu787Pro)

Gene: WRN (WRN RecQ like helicase; plus strand). Cytogenetic location: 8p12.
Variant type: Indel.
Coding change: c.2360_2361delinsCT on transcript NM_000553.6 (MANE Select); coding-DNA positions 2360 to 2361, TG replaced by CT.
Protein change: p.Leu787Pro; replaces leucine 787 with proline.
Molecular consequence: missense variant.
Genome position (GRCh38, 1-based): chr8:31,116,440-31,116,441, TG replaced by CT. VCF-style: chr8-31116440-TG-CT. GRCh37 (hg19) VCF-style: chr8-30973956-TG-CT.
Other names: short protein forms L787P.
Identifiers: ClinVar variation 654365 (VCV000654365.6), dbSNP rs1585478339, ClinGen allele CA915945643.